The following is an entry in ClinVar:

NC_000017.10:g.(?_41242941)_(41251921_?)dup

Gene: BRCA1 (BRCA1 DNA repair associated; minus strand). Cytogenetic location: 17q21.31.
Variant type: Duplication.
Identifiers: ClinVar variation 3243008 (VCV003243008.1).

ClinVar aggregate classification (germline): Uncertain significance (1 of 4 stars; one submission).

Conditions:
Hereditary breast ovarian cancer syndrome. Also called: Hereditary breast and ovarian cancer syndrome; Hereditary breast and ovarian cancer; Hereditary breast and ovarian cancer syndrome (HBOC); Breast and ovarian cancer; Hereditary breast and/or ovarian cancer syndrome; BRCA1- and BRCA2-Associated Hereditary Breast and Ovarian Cancer. Identifiers: Orphanet 145, MedGen C0677776, MeSH D061325, MONDO:0003582. Disease mechanism: loss of function.

Submission:

Labcorp Genetics (formerly Invitae), Labcorp
Classification: Uncertain significance for Hereditary breast ovarian cancer syndrome. Last evaluated: 2023-05-25. Review status: criteria provided, single submitter. Criteria: Invitae Variant Classification Sherloc (09022015). Collection method: clinical testing. Allele origin: unknown.
Comment: In summary, the available evidence is currently insufficient to determine the role of this variant in disease. Therefore, it has been classified as a Variant of Uncertain Significance. Experimental studies and prediction algorithms are not available or were not evaluated, and the functional significance of this variant is currently unknown. This variant has not been reported in the literature in individuals affected with BRCA1-related conditions. This variant results in a copy number gain of the genomic region encompassing exon(s) 7-11 of the BRCA1 gene. While the exact position of this variant cannot be determined from the data, sub-genic copy number gains are generally in tandem (PMID: 25640679). This variant is predicted to be in-frame, and likely preserves the integrity of the reading frame.

Literature cited by the submitters: PubMed 25640679.